The following is an entry in ClinVar:

NM_015231.3(NUP160):c.535A>G (p.Asn179Asp)

Gene: NUP160 (nucleoporin 160; minus strand). Cytogenetic location: 11p11.2.
Variant type: single nucleotide variant.
Coding change: c.535A>G on transcript NM_015231.3 (MANE Select); coding-DNA position 535, A replaced by G.
Protein change: p.Asn179Asp; replaces asparagine 179 with aspartic acid.
Molecular consequence: missense variant. On other transcripts: 3 prime UTR variant (1), non-coding transcript variant (1).
Genome position (GRCh38, 1-based): chr11:47,839,954, T>C on the plus strand (A>G on the coding strand, the complement: NUP160 is on the minus strand). VCF-style: chr11-47839954-T-C. GRCh37 (hg19) VCF-style: chr11-47861506-T-C.
Other names: c.637A>G (NM_015231.2, NM_015231.1); c.*274A>G (NM_001318399.1); short protein forms N179D.
Identifiers: ClinVar variation 1368399 (VCV001368399.6), dbSNP rs201500360, ClinGen allele CA5981596.

ClinVar aggregate classification (germline): Uncertain significance. Review status: criteria provided, multiple submitters, no conflicts (2 of 4 stars). 3 submissions from 3 submitters: Uncertain significance (2). 1 of the submissions does not count toward it. Last evaluated 2025-10-07.

Conditions:
NUP160-related disorder. Also called: NUP160-related condition.

Allele frequency attached by ClinVar (database versions not stated): 1000 Genomes Project 0.00020; gnomAD 0.00003 and 0.00004; gnomAD exomes 0.00004 and 0.00003; ExAC 0.00007; 1000 Genomes Project 30x 0.00031; TOPMed 0.00004.
gnomAD v4.1: 54 of 1,613,970 alleles (0.0033%); highest among the groups gnomAD compares: Middle Eastern, 0.033%; 1 homozygote.

Submissions (3):

Ambry Genetics
Classification: Uncertain significance. Last evaluated: 2025-10-07. Review status: criteria provided, single submitter. Criteria: Ambry Variant Classification Scheme 2023. Collection method: clinical testing. Allele origin: germline.

Labcorp Genetics (formerly Invitae), Labcorp
Classification: Uncertain significance. Last evaluated: 2022-03-10. Review status: criteria provided, single submitter. Criteria: Invitae Variant Classification Sherloc (09022015). Collection method: clinical testing. Allele origin: germline.
Comment: This variant is present in population databases (rs201500360, gnomAD 0.02%). This sequence change replaces asparagine with aspartic acid at codon 213 of the NUP160 protein (p.Asn213Asp). The asparagine residue is weakly conserved and there is a small physicochemical difference between asparagine and aspartic acid. This variant has not been reported in the literature in individuals affected with NUP160-related conditions. In summary, the available evidence is currently insufficient to determine the role of this variant in disease. Therefore, it has been classified as a Variant of Uncertain Significance. Algorithms developed to predict the effect of missense changes on protein structure and function are either unavailable or do not agree on the potential impact of this missense change (SIFT: "Not Available"; PolyPhen-2: "Benign"; Align-GVGD: "Not Available").

PreventionGenetics, part of Exact Sciences
Classification: Uncertain significance for NUP160-related condition. Last evaluated: 2024-03-15. Review status: no assertion criteria provided. Collection method: clinical testing. Allele origin: germline. Not counted in ClinVar's aggregate classification.
Comment: The NUP160 c.637A>G variant is predicted to result in the amino acid substitution p.Asn213Asp. To our knowledge, this variant has not been reported in the literature. This variant is reported in 0.023% of alleles in individuals of South Asian descent in gnomAD. At this time, the clinical significance of this variant is uncertain due to the absence of conclusive functional and genetic evidence.